The following is an entry in ClinVar:

NM_003571.4(BFSP2):c.517C>T (p.Arg173Trp)

Genes: BFSP2 (beaded filament structural protein 2; plus strand), BFSP2-AS1 (BFSP2 antisense RNA 1; minus strand). Cytogenetic location: 3q22.1.
Variant type: single nucleotide variant.
Coding change: c.517C>T on transcript NM_003571.4 (MANE Select); coding-DNA position 517, C replaced by T.
Protein change: p.Arg173Trp; replaces arginine 173 with tryptophan.
Molecular consequence: missense variant.
Genome position (GRCh38, 1-based): chr3:133,447,344, C>T. VCF-style: chr3-133447344-C-T. GRCh37 (hg19) VCF-style: chr3-133166188-C-T.
Other names: short protein forms R173W.
Identifiers: ClinVar variation 902120 (VCV000902120.9), dbSNP rs375380005, ClinGen allele CA2623284.
Genomic context (GRCh38, chr3:133,447,344, plus strand): 5'-CCTTGTCTCCTTTGGTGTGTGTGATCGCTCTAGGTGGGTGAGGCAGTCTTGGAAAATGCC[C>T]GGCTCATGCTGCAGACAGAAACTATCCAGGCCGGAGCAGATGACTTTAAAGAGAGGTAAT-3'
Protein context (NP_003562.1, residues 163-183): QVGEAVLENA[Arg173Trp]LMLQTETIQA

ClinVar aggregate classification (germline): Conflicting classifications of pathogenicity. Review status: criteria provided, conflicting classifications (1 of 4 stars). 3 submissions from 3 submitters: Uncertain significance (2); Likely benign (1). Last evaluated 2024-10-20.

Conditions:
Cataract 12 multiple types. Identifiers: Orphanet 91492, MedGen C3808115, MONDO:0012701, OMIM 611597.

Allele frequency attached by ClinVar (database versions not stated): ExAC 0.00005; TOPMed 0.00007; ESP Exome Variant Server 0.00008.
gnomAD v4.1: 55 of 1,613,816 alleles (0.0034%); highest among the groups gnomAD compares: Middle Eastern, 0.017%; no homozygotes.

Submissions (3):

Ambry Genetics
Classification: Uncertain significance. Last evaluated: 2024-10-20. Review status: criteria provided, single submitter. Criteria: Ambry Variant Classification Scheme 2023. Collection method: clinical testing. Allele origin: germline.

Labcorp Genetics (formerly Invitae), Labcorp
Classification: Uncertain significance for Cataract 12 multiple types. Last evaluated: 2023-03-09. Review status: criteria provided, single submitter. Criteria: Invitae Variant Classification Sherloc (09022015). Collection method: clinical testing. Allele origin: germline.
Comment: This sequence change replaces arginine, which is basic and polar, with tryptophan, which is neutral and slightly polar, at codon 173 of the BFSP2 protein (p.Arg173Trp). This variant is present in population databases (rs375380005, gnomAD 0.008%). This variant has not been reported in the literature in individuals affected with BFSP2-related conditions. ClinVar contains an entry for this variant (Variation ID: 902120). Advanced modeling of protein sequence and biophysical properties (such as structural, functional, and spatial information, amino acid conservation, physicochemical variation, residue mobility, and thermodynamic stability) performed at Invitae indicates that this missense variant is expected to disrupt BFSP2 protein function. Algorithms developed to predict the effect of sequence changes on RNA splicing suggest that this variant may disrupt the consensus splice site. In summary, the available evidence is currently insufficient to determine the role of this variant in disease. Therefore, it has been classified as a Variant of Uncertain Significance.

Illumina Laboratory Services, Illumina
Classification: Likely benign for Cataract 12 multiple types. Last evaluated: 2018-01-12. Review status: criteria provided, single submitter. Criteria: ICSL Variant Classification Criteria 13 December 2019. Collection method: clinical testing. Allele origin: germline.
Comment: This variant was observed in the ICSL laboratory as part of a predisposition screen in an ostensibly healthy population. It had not been previously curated by ICSL or reported in the Human Gene Mutation Database (HGMD: prior to June 1st, 2018), and was therefore a candidate for classification through an automated scoring system. Utilizing variant allele frequency, disease prevalence and penetrance estimates, and inheritance mode, an automated score was calculated to assess if this variant is too frequent to cause the disease. Based on the score and internal cut-off values, a variant classified as likely benign is not then subjected to further curation. The score for this variant resulted in a classification of likely benign for this disease.